The following is an entry in ClinVar:

ClinVar aggregate classification (germline): Uncertain significance. Review status: criteria provided, multiple submitters, no conflicts (2 of 4 stars). 2 submissions from 2 submitters: Uncertain significance (2). Last evaluated 2025-08-04.

Conditions:
Trichorhinophalangeal syndrome, type III (TRPS3). Also called: SUGIO-KAJII SYNDROME. Identifiers: Orphanet 77258, MedGen C1860823, OMIM 190351, MONDO:0008597.
Trichorhinophalangeal dysplasia type I (TRPS1). Also called: TRPS I; TRICHORHINOPHALANGEAL SYNDROME, TYPE I. Identifiers: Orphanet 77258, MedGen C0432233, MONDO:0008596, OMIM 190350.

Allele frequency attached by ClinVar (database versions not stated): gnomAD exomes below 0.00001.
gnomAD v4.1: 1 of 1,614,124 alleles (0.000062%); no homozygotes.

Submissions (2):

Labcorp Genetics (formerly Invitae), Labcorp
Classification: Uncertain significance for Trichorhinophalangeal syndrome, type III; Trichorhinophalangeal dysplasia type I. Last evaluated: 2025-08-04. Review status: criteria provided, single submitter. Criteria: Invitae Variant Classification Sherloc (09022015). Collection method: clinical testing. Allele origin: germline.
Comment: This sequence change replaces histidine, which is basic and polar, with arginine, which is basic and polar, at codon 567 of the TRPS1 protein (p.His567Arg). This variant is present in population databases (no rsID available, gnomAD 0.01%). This variant has not been reported in the literature in individuals affected with TRPS1-related conditions. ClinVar contains an entry for this variant (Variation ID: 546375). Invitae Evidence Modeling of protein sequence and biophysical properties (such as structural, functional, and spatial information, amino acid conservation, physicochemical variation, residue mobility, and thermodynamic stability) indicates that this missense variant is expected to disrupt TRPS1 protein function with a positive predictive value of 80%. In summary, the available evidence is currently insufficient to determine the role of this variant in disease. Therefore, it has been classified as a Variant of Uncertain Significance.

GeneDx
Classification: Uncertain significance. Last evaluated: 2018-05-29. Review status: criteria provided, single submitter. Criteria: GeneDx Variant Classification (06012015). Collection method: clinical testing. Allele origin: germline. Affected: yes.
Comment: The H567R variant has not been published as a pathogenic variant, nor has it been reported as a benign variant to our knowledge. The H567R variant is observed in 1/9836 (0.01%) alleles from individuals of Ashkenazi Jewish background in large population cohorts (Lek et al., 2016). The H567R variant is a conservative amino acid substitution, which is not likely to impact secondary protein structure as these residues share similar properties. However, in-silico analyses, including protein predictors and evolutionary conservation, support a deleterious effect. Therefore, based on the currently available information, it is unclear whether this variant is a pathogenic variant or a rare benign variant.

NM_014112.5(TRPS1):c.1700A>G (p.His567Arg)

Gene: TRPS1 (transcriptional repressor GATA binding 1; minus strand). Cytogenetic location: 8q23.3.
Variant type: single nucleotide variant.
Coding change: c.1700A>G on transcript NM_014112.5 (MANE Select); coding-DNA position 1700, A replaced by G.
Protein change: p.His567Arg; replaces histidine 567 with arginine.
Molecular consequence: missense variant.
Genome position (GRCh38, 1-based): chr8:115,604,269, T>C on the plus strand (A>G on the coding strand, the complement: TRPS1 is on the minus strand). VCF-style: chr8-115604269-T-C. GRCh37 (hg19) VCF-style: chr8-116616496-T-C.
Other names: c.1661A>G, p.His554Arg (NM_001330599.2); c.1673A>G, p.His558Arg (NM_001282902.3); c.1679A>G, p.His560Arg (NM_001282903.3); short protein forms H567R, H554R, H560R, H558R.
Identifiers: ClinVar variation 546375 (VCV000546375.3), dbSNP rs1322194463, ClinGen allele CA372066819.